The following is an entry in ClinVar:

ClinVar aggregate classification (germline): Uncertain significance (1 of 4 stars; one submission).

Submission:

Labcorp Genetics (formerly Invitae), Labcorp
Classification: Uncertain significance. Last evaluated: 2026-01-25. Review status: criteria provided, single submitter. Criteria: Invitae Variant Classification Sherloc (09022015). Collection method: clinical testing. Allele origin: germline.
Comment: This sequence change falls in intron 6 of the C1S gene. It does not directly change the encoded amino acid sequence of the C1S protein. It affects a nucleotide within the consensus splice site. This variant is not present in population databases (gnomAD no frequency). This variant has not been reported in the literature in individuals affected with C1S-related conditions. Variants that disrupt the consensus splice site are a relatively common cause of aberrant splicing (PMID: 17576681, 9536098). Algorithms developed to predict the effect of sequence changes on RNA splicing suggest that this variant is not likely to affect RNA splicing. In summary, the available evidence is currently insufficient to determine the role of this variant in disease. Therefore, it has been classified as a Variant of Uncertain Significance.

Literature cited by the submitters: PubMed 17576681; PubMed 9536098.

NM_001734.5(C1S):c.718-3C>T

Gene: C1S (complement C1s; plus strand). Cytogenetic location: 12p13.31.
Variant type: single nucleotide variant.
Coding change: c.718-3C>T on transcript NM_001734.5 (MANE Select); 3 bases into the intron before coding-DNA position 718, C replaced by T.
Molecular consequence: intron variant.
Genome position (GRCh38, 1-based): chr12:7,065,814, C>T. VCF-style: chr12-7065814-C-T. GRCh37 (hg19) VCF-style: chr12-7173118-C-T.
Other names: c.718-3C>T (NM_201442.4); c.217-3C>T (NM_001346850.2).
Identifiers: ClinVar variation 4799444 (VCV004799444.1).